The following is an entry in ClinVar:

ClinVar aggregate classification (germline): Conflicting classifications of pathogenicity. Review status: criteria provided, conflicting classifications (1 of 4 stars). 10 submissions from 10 submitters: Uncertain significance (1); Benign (2); Likely benign (5). 2 of the submissions do not count toward it. Last evaluated 2026-01-27.

Conditions:
Inborn genetic diseases. Identifiers: MedGen C0950123, MeSH D030342.
Kufor-Rakeb syndrome (KRS). Also called: PARKINSON DISEASE 9, AUTOSOMAL RECESSIVE, JUVENILE-ONSET. Identifiers: Orphanet 306674, Orphanet 314632, MedGen C1847640, MONDO:0011706, OMIM 606693.
Autosomal recessive spastic paraplegia type 78. Identifiers: Orphanet 513436, MedGen C5567893, MONDO:0014975, OMIM 617225.

Allele frequency attached by ClinVar (database versions not stated): ESP Exome Variant Server 0.00038; TOPMed 0.00059; gnomAD exomes 0.00070 and 0.00080; ExAC 0.00077; gnomAD 0.00085 and 0.00091.
gnomAD v4.1: 1,160 of 1,613,386 alleles (0.072%); highest among the groups gnomAD compares: Non-Finnish European, 0.074%; 3 homozygotes.

Submissions (10):

Labcorp Genetics (formerly Invitae), Labcorp
Classification: Benign for Kufor-Rakeb syndrome; Autosomal recessive spastic paraplegia type 78. Last evaluated: 2026-01-27. Review status: criteria provided, single submitter. Criteria: Invitae Variant Classification Sherloc (09022015). Collection method: clinical testing. Allele origin: germline.

CeGaT Center for Human Genetics Tuebingen
Classification: Likely benign. Last evaluated: 2026-01-01. Review status: criteria provided, single submitter. Criteria: CeGaT Center For Human Genetics Tuebingen Variant Classification Criteria Version 2. Collection method: clinical testing. Allele origin: germline. Affected: yes. Observed: 8 variant alleles.
Comment: ATP13A2: BP2, BP4

Mayo Clinic Laboratories, Mayo Clinic
Classification: Likely benign. Last evaluated: 2025-10-12. Review status: criteria provided, single submitter. Criteria: ACMG Guidelines, 2015. Collection method: clinical testing. Allele origin: germline. Observed: 2 variant alleles.
Comment: BS2, BP4, BP7

Athena Diagnostics
Classification: Benign. Last evaluated: 2025-04-18. Review status: criteria provided, single submitter. Criteria: Athena Diagnostics Criteria. Collection method: clinical testing. Allele origin: unknown.
Comment: The frequency of this variant in the general population is higher than would generally be expected for pathogenic variants in this gene.

Blueprint Genetics
Classification: Likely benign. Last evaluated: 2024-10-25. Review status: criteria provided, single submitter. Criteria: ACMG Guidelines, 2015. Collection method: clinical testing. Allele origin: germline.

GeneDx
Classification: Likely benign. Last evaluated: 2021-08-30. Review status: criteria provided, single submitter. Criteria: GeneDx Variant Classification Process June 2021. Collection method: clinical testing. Allele origin: germline. Affected: yes.

Illumina Laboratory Services, Illumina
Classification: Uncertain significance for Kufor-Rakeb syndrome. Last evaluated: 2018-01-13. Review status: criteria provided, single submitter. Criteria: ICSL Variant Classification Criteria 13 December 2019. Collection method: clinical testing. Allele origin: germline.

Ambry Genetics
Classification: Likely benign for Inborn genetic diseases. Last evaluated: 2017-10-13. Review status: criteria provided, single submitter. Criteria: Ambry Variant Classification Scheme 2023. Collection method: clinical testing. Allele origin: germline.

Clinical Genetics DNA and cytogenetics Diagnostics Lab, Erasmus MC, Erasmus Medical Center
Classification: Likely benign. Review status: no assertion criteria provided. Collection method: clinical testing. Allele origin: germline. Affected: yes. Study: VKGL Data-share Consensus. Not counted in ClinVar's aggregate classification.

Diagnostic Laboratory, Department of Genetics, University Medical Center Groningen
Classification: Likely benign for Kufor-Rakeb syndrome. Review status: no assertion criteria provided. Collection method: clinical testing. Allele origin: germline. Affected: yes. Study: VKGL Data-share Consensus. Not counted in ClinVar's aggregate classification.

NM_022089.4(ATP13A2):c.951C>T (p.Cys317=)

Gene: ATP13A2 (ATPase cation transporting 13A2; minus strand). Cytogenetic location: 1p36.13.
Variant type: single nucleotide variant.
Coding change: c.951C>T on transcript NM_022089.4 (MANE Select); coding-DNA position 951, C replaced by T.
Protein change: p.Cys317=; no amino-acid change (cysteine 317 retained).
Molecular consequence: synonymous variant.
Genome position (GRCh38, 1-based): chr1:17,000,099, G>A on the plus strand (C>T on the coding strand, the complement: ATP13A2 is on the minus strand). VCF-style: chr1-17000099-G-A. GRCh37 (hg19) VCF-style: chr1-17326594-G-A.
Other names: p.Cys317=; c.936C>T, p.Cys312= (NM_001141973.3, NM_001141974.3).
Identifiers: ClinVar variation 293802 (VCV000293802.48), dbSNP rs148391179, ClinGen allele CA637411.